The following is an entry in ClinVar:

NM_001288705.3(CSF1R):c.797A>G (p.Asp266Gly)

Gene: CSF1R (colony stimulating factor 1 receptor; minus strand). Cytogenetic location: 5q32.
Variant type: single nucleotide variant.
Coding change: c.797A>G on transcript NM_001288705.3 (MANE Select); coding-DNA position 797, A replaced by G.
Protein change: p.Asp266Gly; replaces aspartic acid 266 with glycine.
Molecular consequence: missense variant. On other transcripts: non-coding transcript variant (2).
Genome position (GRCh38, 1-based): chr5:150,077,368, T>C on the plus strand (A>G on the coding strand, the complement: CSF1R is on the minus strand). VCF-style: chr5-150077368-T-C. GRCh37 (hg19) VCF-style: chr5-149456931-T-C.
Other names: c.797A>G, p.Asp266Gly (NM_001349736.2, NM_001375320.1, NM_005211.4); c.353A>G, p.Asp118Gly (NM_001375321.1); short protein forms D118G, D266G.
Identifiers: ClinVar variation 3026543 (VCV003026543.22), dbSNP rs2113824528, ClinGen allele CA361729280.

ClinVar aggregate classification (germline): Uncertain significance (1 of 4 stars; one submission).

Submission:

CeGaT Center for Human Genetics Tuebingen
Classification: Uncertain significance. Last evaluated: 2023-10-01. Review status: criteria provided, single submitter. Criteria: CeGaT Center For Human Genetics Tuebingen Variant Classification Criteria Version 2. Collection method: clinical testing. Allele origin: germline. Affected: yes. Observed: 1 variant allele.
Comment: CSF1R: PM2, BP4